The following is an entry in ClinVar:

ClinVar aggregate classification (germline): Uncertain significance. Review status: criteria provided, multiple submitters, no conflicts (2 of 4 stars). 2 submissions from 2 submitters: Uncertain significance (2). Last evaluated 2024-10-29.

Conditions:
Inborn genetic diseases. Identifiers: MedGen C0950123, MeSH D030342.

Allele frequency attached by ClinVar (database versions not stated): gnomAD 0.00001; gnomAD exomes 0.00001; TOPMed 0.00002.
gnomAD v4.1: 6 of 1,395,186 alleles (0.00043%); highest among the groups gnomAD compares: Admixed American, 0.013%; no homozygotes.

Submissions (2):

Labcorp Genetics (formerly Invitae), Labcorp
Classification: Uncertain significance for Ehlers-Danlos syndrome progeroid type. Last evaluated: 2024-10-29. Review status: criteria provided, single submitter. Criteria: Invitae Variant Classification Sherloc (09022015). Collection method: clinical testing. Allele origin: germline.
Comment: This sequence change replaces lysine, which is basic and polar, with arginine, which is basic and polar, at codon 7 of the B4GALT7 protein (p.Lys7Arg). The frequency data for this variant in the population databases is considered unreliable, as metrics indicate poor data quality at this position in the gnomAD database. This variant has not been reported in the literature in individuals affected with B4GALT7-related conditions. ClinVar contains an entry for this variant (Variation ID: 1391422). An algorithm developed to predict the effect of missense changes on protein structure and function (PolyPhen-2) suggests that this variant¬†is likely to be tolerated. In summary, the available evidence is currently insufficient to determine the role of this variant in disease. Therefore, it has been classified as a Variant of Uncertain Significance.

Ambry Genetics
Classification: Uncertain significance for Inborn genetic diseases. Last evaluated: 2022-04-13. Review status: criteria provided, single submitter. Criteria: Ambry Variant Classification Scheme 2023. Collection method: clinical testing. Allele origin: germline.

NM_007255.3(B4GALT7):c.20A>G (p.Lys7Arg)

Genes: B4GALT7 (beta-1,4-galactosyltransferase 7; plus strand), LOC129995400 (ATAC-STARR-seq lymphoblastoid silent region 16704; plus strand). Cytogenetic location: 5q35.3.
Variant type: single nucleotide variant.
Coding change: c.20A>G on transcript NM_007255.3 (MANE Select); coding-DNA position 20, A replaced by G.
Protein change: p.Lys7Arg; replaces lysine 7 with arginine.
Molecular consequence: missense variant.
Genome position (GRCh38, 1-based): chr5:177,600,230, A>G. VCF-style: chr5-177600230-A-G. GRCh37 (hg19) VCF-style: chr5-177027231-A-G.
Other names: c.20A>G (NM_007255.2); short protein forms K7R.
Identifiers: ClinVar variation 1391422 (VCV001391422.6), dbSNP rs1370799068, ClinGen allele CA362371556.
Genomic context (GRCh38, chr5:177,600,230, plus strand): 5'-GCTGCGAGCGCCTGCCCCATGCGCCGCCGCCTCTCCGCACGATGTTCCCCTCGCGGAGGA[A>G]AGCGGCGCAGCTGCCCTGGGAGGACGGCAGGTGAGCGGCGGCGGTGGGCCCGGGCCCCGT-3'
Protein context (NP_009186.1, residues 1-17): MFPSRR[Lys7Arg]AAQLPWEDGR